The following is an entry in ClinVar:

ClinVar aggregate classification (germline): Likely benign (0 of 4 stars; one submission).

Conditions:
SPAG17-related disorder. Also called: SPAG17-related condition.

Allele frequency attached by ClinVar (database versions not stated): gnomAD exomes below 0.00001; gnomAD 0.00001.

Submission:

PreventionGenetics, part of Exact Sciences
Classification: Likely benign for SPAG17-related condition. Last evaluated: 2019-09-18. Review status: no assertion criteria provided. Collection method: clinical testing. Allele origin: germline.
Comment: This variant is classified as likely benign based on ACMG/AMP sequence variant interpretation guidelines (Richards et al. 2015 PMID: 25741868, with internal and published modifications).

NM_206996.4(SPAG17):c.4941T>C (p.Ala1647=)

Gene: SPAG17 (sperm associated antigen 17; minus strand). Cytogenetic location: 1p12.
Variant type: single nucleotide variant.
Coding change: c.4941T>C on transcript NM_206996.4 (MANE Select); coding-DNA position 4941, T replaced by C.
Protein change: p.Ala1647=; no amino-acid change (alanine 1647 retained).
Molecular consequence: synonymous variant.
Genome position (GRCh38, 1-based): chr1:117,996,482, A>G on the plus strand (T>C on the coding strand, the complement: SPAG17 is on the minus strand). VCF-style: chr1-117996482-A-G. GRCh37 (hg19) VCF-style: chr1-118539105-A-G.
Identifiers: ClinVar variation 3041017 (VCV003041017.2), dbSNP rs1235277388, ClinGen allele CA419995844.